The following is an entry in ClinVar:

NM_000642.3(AGL):c.4542C>G (p.Ser1514Arg)

Gene: AGL (amylo-alpha-1,6-glucosidase and 4-alpha-glucanotransferase; plus strand). Cytogenetic location: 1p21.2.
Variant type: single nucleotide variant.
Coding change: c.4542C>G on transcript NM_000642.3 (MANE Select); coding-DNA position 4542, C replaced by G.
Protein change: p.Ser1514Arg; replaces serine 1514 with arginine.
Molecular consequence: missense variant.
Genome position (GRCh38, 1-based): chr1:99,921,594, C>G. VCF-style: chr1-99921594-C-G. GRCh37 (hg19) VCF-style: chr1-100387150-C-G.
Other names: p.Ser1514Arg; c.4542C>G, p.Ser1514Arg (NM_000028.3, NM_000643.3, NM_000644.3 and 1 more transcripts); c.4494C>G, p.Ser1498Arg (NM_000646.3); c.4521C>G, p.Ser1507Arg (NM_001425326.1); c.4341C>G, p.Ser1447Arg (NM_001425327.1); c.4338C>G, p.Ser1446Arg (NM_001425328.1); c.4203C>G, p.Ser1401Arg (NM_001425329.1); c.4164C>G, p.Ser1388Arg (NM_001425332.1); short protein forms S1498R, S1514R, S1388R, S1401R, S1446R, S1447R, S1507R.
Identifiers: ClinVar variation 1470163 (VCV001470163.6), dbSNP rs367764339, ClinGen allele CA967471.

ClinVar aggregate classification (germline): Uncertain significance. Review status: criteria provided, multiple submitters, no conflicts (2 of 4 stars). 2 submissions from 2 submitters: Uncertain significance (2). Last evaluated 2023-02-09.

Conditions:
Glycogen storage disease type III (GSD3). Also called: Cori disease; FORBES DISEASE. Identifiers: Orphanet 366, MedGen C0017922, MONDO:0009291, OMIM 232400.

Allele frequency attached by ClinVar (database versions not stated): gnomAD exomes below 0.00001; ExAC 0.00001; ESP Exome Variant Server 0.00008.
gnomAD v4.1: 2 of 1,613,124 alleles (0.00012%); highest among the groups gnomAD compares: Non-Finnish European, 0.00017%; no homozygotes.

Submissions (2):

Mayo Clinic Laboratories, Mayo Clinic
Classification: Uncertain significance. Last evaluated: 2023-02-09. Review status: criteria provided, single submitter. Criteria: ACMG Guidelines, 2015. Collection method: clinical testing. Allele origin: germline. Observed: 1 variant allele.
Comment: PP3, PM2

Labcorp Genetics (formerly Invitae), Labcorp
Classification: Uncertain significance for Glycogen storage disease type III. Last evaluated: 2021-09-17. Review status: criteria provided, single submitter. Criteria: Invitae Variant Classification Sherloc (09022015). Collection method: clinical testing. Allele origin: germline.
Comment: This sequence change replaces serine with arginine at codon 1514 of the AGL protein (p.Ser1514Arg). The serine residue is highly conserved and there is a moderate physicochemical difference between serine and arginine. This variant is present in population databases (rs367764339, ExAC 0.002%). This variant has not been reported in the literature in individuals with AGL-related conditions. Algorithms developed to predict the effect of missense changes on protein structure and function are either unavailable or do not agree on the potential impact of this missense change (SIFT: "Deleterious"; PolyPhen-2: "Probably Damaging"; Align-GVGD: "Class C0"). Algorithms developed to predict the effect of sequence changes on RNA splicing suggest that this variant may create or strengthen a splice site, but this prediction has not been confirmed by published transcriptional studies. In summary, the available evidence is currently insufficient to determine the role of this variant in disease. Therefore, it has been classified as a Variant of Uncertain Significance.